The following is an entry in ClinVar:

NM_003289.4(TPM2):c.440A>C (p.Gln147Pro)

Gene: TPM2 (tropomyosin 2; minus strand). Cytogenetic location: 9p13.3.
Variant type: single nucleotide variant.
Coding change: c.440A>C on transcript NM_003289.4 (MANE Select); coding-DNA position 440, A replaced by C.
Protein change: p.Gln147Pro; replaces glutamine 147 with proline.
Molecular consequence: missense variant.
Genome position (GRCh38, 1-based): chr9:35,685,486, T>G on the plus strand (A>C on the coding strand, the complement: TPM2 is on the minus strand). VCF-style: chr9-35685486-T-G. GRCh37 (hg19) VCF-style: chr9-35685483-T-G.
Other names: c.440A>C, p.Gln147Pro (NM_001301226.2, NM_001301227.2, NM_213674.1); short protein forms Q147P.
Identifiers: ClinVar variation 12461 (VCV000012461.7), dbSNP rs104894128, ClinGen allele CA232651.

ClinVar aggregate classification (germline): Uncertain significance. Review status: criteria provided, single submitter (1 of 4 stars). 3 submissions from 3 submitters: Uncertain significance (1). 2 of the submissions do not count toward it. Last evaluated 2024-06-19.

Conditions:
Congenital myopathy 23 (CMYO23). Also called: NEMALINE MYOPATHY 4; Nemaline myopathy 4, autosomal dominant; CAP MYOPATHY 2. Identifiers: MedGen C1836447, MONDO:0012240, OMIM 609285.
Arthrogryposis, distal, type 1A. Also called: ARTHROGRYPOSIS MULTIPLEX CONGENITA, DISTAL, TYPE I. Identifiers: Orphanet 1146, MedGen C6022280, MONDO:0007157, OMIM 108120.

Submissions (3):

Labcorp Genetics (formerly Invitae), Labcorp
Classification: Uncertain significance for Arthrogryposis, distal, type 1A. Last evaluated: 2024-06-19. Review status: criteria provided, single submitter. Criteria: Invitae Variant Classification Sherloc (09022015). Collection method: clinical testing. Allele origin: germline.
Comment: This sequence change replaces glutamine, which is neutral and polar, with proline, which is neutral and non-polar, at codon 147 of the TPM2 protein (p.Gln147Pro). This variant is not present in population databases (gnomAD no frequency). This missense change has been observed in individual(s) with nemaline myopathy (PMID: 11738357). ClinVar contains an entry for this variant (Variation ID: 12461). Advanced modeling of protein sequence and biophysical properties (such as structural, functional, and spatial information, amino acid conservation, physicochemical variation, residue mobility, and thermodynamic stability) performed at Invitae indicates that this missense variant is expected to disrupt TPM2 protein function with a positive predictive value of 80%. Experimental studies have shown that this missense change affects TPM2 function (PMID: 22084935, 26708479, 30545627). In summary, the available evidence is currently insufficient to determine the role of this variant in disease. Therefore, it has been classified as a Variant of Uncertain Significance.

OMIM
Classification: Pathogenic for CONGENITAL MYOPATHY 23. Last evaluated: 2002-02-01. Review status: no assertion criteria provided. Collection method: literature only. Allele origin: germline. Not counted in ClinVar's aggregate classification.

TPM2 homepage - Leiden Muscular Dystrophy pages
No classification provided. Review status: no classification provided. Collection method: not provided. Allele origin: de novo. Not counted in ClinVar's aggregate classification.

Literature cited by the submitters: PubMed 11738357 (cited by Labcorp Genetics (formerly Invitae), Labcorp and OMIM); PubMed 22084935 (cited by Labcorp Genetics (formerly Invitae), Labcorp); PubMed 26708479 (cited by Labcorp Genetics (formerly Invitae), Labcorp); PubMed 30545627 (cited by Labcorp Genetics (formerly Invitae), Labcorp).